The following is an entry in ClinVar:

ClinVar aggregate classification (germline): Uncertain significance (1 of 4 stars; one submission).

Allele frequency attached by ClinVar (database versions not stated): gnomAD 0.00001; TOPMed 0.00003.
gnomAD v4.1: 69 of 1,613,712 alleles (0.0043%); highest among the groups gnomAD compares: East Asian, 0.069%; no homozygotes.

Submission:

Labcorp Genetics (formerly Invitae), Labcorp
Classification: Uncertain significance. Last evaluated: 2022-02-20. Review status: criteria provided, single submitter. Criteria: Invitae Variant Classification Sherloc (09022015). Collection method: clinical testing. Allele origin: germline.
Comment: This sequence change replaces arginine, which is basic and polar, with histidine, which is basic and polar, at codon 1705 of the MPDZ protein (p.Arg1705His). This variant is present in population databases (rs772699513, gnomAD 0.06%). This variant has not been reported in the literature in individuals affected with MPDZ-related conditions. Algorithms developed to predict the effect of missense changes on protein structure and function are either unavailable or do not agree on the potential impact of this missense change (SIFT: "Deleterious"; PolyPhen-2: "Benign"; Align-GVGD: "Class C25"). In summary, the available evidence is currently insufficient to determine the role of this variant in disease. Therefore, it has been classified as a Variant of Uncertain Significance.

NM_001378778.1(MPDZ):c.5114G>A (p.Arg1705His)

Gene: MPDZ (multiple PDZ domain crumbs cell polarity complex component; minus strand). Cytogenetic location: 9p23.
Variant type: single nucleotide variant.
Coding change: c.5114G>A on transcript NM_001378778.1 (MANE Select); coding-DNA position 5114, G replaced by A.
Protein change: p.Arg1705His; replaces arginine 1705 with histidine.
Molecular consequence: missense variant.
Genome position (GRCh38, 1-based): chr9:13,121,856, C>T on the plus strand (G>A on the coding strand, the complement: MPDZ is on the minus strand). VCF-style: chr9-13121856-C-T. GRCh37 (hg19) VCF-style: chr9-13121855-C-T.
Other names: c.5015G>A, p.Arg1672His (NM_001261406.2, NM_001261407.2, NM_001375416.1 and 3 more transcripts); c.5114G>A, p.Arg1705His (NM_001330637.2, NM_003829.5); c.5213G>A, p.Arg1738His (NM_001375413.1); c.4904G>A, p.Arg1635His (NM_001375420.1, NM_001375421.1, NM_001375422.1 and 4 more transcripts); c.4706G>A, p.Arg1569His (NM_001375427.1); short protein forms R1635H, R1705H, R1738H, R1569H, R1672H.
Identifiers: ClinVar variation 2176755 (VCV002176755.1), dbSNP rs772699513, ClinGen allele CA4986427.